The following is an entry in ClinVar:

ClinVar aggregate classification (germline): Benign/Likely benign. Review status: criteria provided, multiple submitters, no conflicts (2 of 4 stars). 3 submissions from 2 submitters: Benign (2); Likely benign (1). Last evaluated 2021-05-22.

Conditions:
Optic atrophy 3 (OPA3). Also called: OPTIC ATROPHY 3, AUTOSOMAL DOMINANT; Optic atrophy, cataract, and neurologic disorder; Optic atrophy 3 with cataract. Identifiers: Orphanet 67036, MedGen C1833809, MONDO:0008133, OMIM 165300.
3-Methylglutaconic aciduria type 3 (MGCA3). Also called: OPA3, AUTOSOMAL RECESSIVE; OPTIC ATROPHY 3, AUTOSOMAL RECESSIVE; Costeff Syndrome; OPA3-Related 3-Methylglutaconic Aciduria. Identifiers: Orphanet 67047, MedGen C0574084, MONDO:0009787, OMIM 258501.

Allele frequency attached by ClinVar (database versions not stated): gnomAD 0.01372 and 0.01461; TOPMed 0.01534; 1000 Genomes Project 30x 0.01671; 1000 Genomes Project 0.01757.

Submissions (3):

GeneDx
Classification: Likely benign. Last evaluated: 2021-05-22. Review status: criteria provided, single submitter. Criteria: GeneDx Variant Classification Process June 2021. Collection method: clinical testing. Allele origin: germline. Affected: yes.

Illumina Laboratory Services, Illumina
Classification: Benign for 3-Methylglutaconic aciduria type 3. Last evaluated: 2018-01-13. Review status: criteria provided, single submitter. Criteria: ICSL Variant Classification Criteria 13 December 2019. Collection method: clinical testing. Allele origin: germline.
Comment: This variant was observed in the ICSL laboratory as part of a predisposition screen in an ostensibly healthy population. It had not been previously curated by ICSL or reported in the Human Gene Mutation Database (HGMD: prior to June 1st, 2018), and was therefore a candidate for classification through an automated scoring system. Utilizing variant allele frequency, disease prevalence and penetrance estimates, and inheritance mode, an automated score was calculated to assess if this variant is too frequent to cause the disease. Based on the score and internal cut-off values, a variant classified as benign is not then subjected to further curation. The score for this variant resulted in a classification of benign for this disease.

Illumina Laboratory Services, Illumina
Classification: Benign for Optic atrophy 3. Last evaluated: 2018-01-13. Review status: criteria provided, single submitter. Criteria: ICSL Variant Classification Criteria 13 December 2019. Collection method: clinical testing. Allele origin: germline.
Comment: the same text as in the submission from Illumina Laboratory Services, Illumina above.

NM_025136.4(OPA3):c.*6275T>C

Genes: OPA3 (outer mitochondrial membrane lipid metabolism regulator OPA3; minus strand), OPA3-RTN2 (OPA3-RTN2 readthrough; minus strand). Cytogenetic location: 19q13.32.
Variant type: single nucleotide variant.
Coding change: c.*6275T>C on transcript NM_025136.4 (MANE Select); 6275 bases downstream of the stop codon, T replaced by C.
Molecular consequence: 3 prime UTR variant. On other transcripts: intron variant (1).
Genome position (GRCh38, 1-based): chr19:45,547,239, A>G on the plus strand (T>C on the coding strand, the complement: OPA3 is on the minus strand). VCF-style: chr19-45547239-A-G. GRCh37 (hg19) VCF-style: chr19-46050497-A-G.
Other names: c.143-17783T>C (NM_001017989.3).
Identifiers: ClinVar variation 329569 (VCV000329569.6), dbSNP rs74689727, ClinGen allele CA10652559.